The following is an entry in ClinVar:

ClinVar aggregate classification (germline): Uncertain significance (1 of 4 stars; one submission).

Submission:

Ambry Genetics
Classification: Uncertain significance. Last evaluated: 2024-11-28. Review status: criteria provided, single submitter. Criteria: Ambry Variant Classification Scheme 2023. Collection method: clinical testing. Allele origin: germline.
Comment: The p.C253R variant (also known as c.757T>C), located in coding exon 1 of the MC1R gene, results from a T to C substitution at nucleotide position 757. The cysteine at codon 253 is replaced by arginine, an amino acid with highly dissimilar properties. This amino acid position is conserved. In addition, this alteration is predicted to be deleterious by in silico analysis. Based on the available evidence, the clinical significance of this variant remains unclear.

NM_002386.4(MC1R):c.757T>C (p.Cys253Arg)

Gene: MC1R (melanocortin 1 receptor; plus strand). Cytogenetic location: 16q24.3.
Variant type: single nucleotide variant.
Coding change: c.757T>C on transcript NM_002386.4 (MANE Select); coding-DNA position 757, T replaced by C.
Protein change: p.Cys253Arg; replaces cysteine 253 with arginine.
Molecular consequence: missense variant.
Genome position (GRCh38, 1-based): chr16:89,920,015, T>C. VCF-style: chr16-89920015-T-C. GRCh37 (hg19) VCF-style: chr16-89986423-T-C.
Other names: short protein forms C253R.
Identifiers: ClinVar variation 3543981 (VCV003543981.1).
Genomic context (GRCh38, chr16:89,920,015, plus strand): 5'-CAGGGCTTTGGCCTTAAAGGCGCTGTCACCCTCACCATCCTGCTGGGCATTTTCTTCCTC[T>C]GCTGGGGCCCCTTCTTCCTGCATCTCACACTCATCGTCCTCTGCCCCGAGCACCCCACGT-3'
Protein context (NP_002377.4, residues 243-263): LTILLGIFFL[Cys253Arg]WGPFFLHLTL